The following is an entry in ClinVar:

NM_000059.4(BRCA2):c.6121dup (p.Ser2041fs)

Gene: BRCA2 (BRCA2 DNA repair associated; plus strand). Cytogenetic location: 13q13.1.
Variant type: Duplication.
Coding change: c.6121dup on transcript NM_000059.4 (MANE Select); coding-DNA position 6121, one base duplicated (T; older notation c.6121dupT).
Protein change: p.Ser2041fs; shifts the reading frame from serine 2041.
Molecular consequence: frameshift variant.
Genome position (GRCh38, 1-based): chr13:32,340,476, T duplicated. VCF-style (leftmost placement, unchanged base first): chr13-32340475-A-AT. GRCh37 (hg19) VCF-style: chr13-32914612-A-AT.
Other names: c.6121dupT (NM_000059.3); c.6121dup, p.Ser2041Phefs (NM_001406719.1, NM_001406720.1); short protein forms S2041fs.
Identifiers: ClinVar variation 1751736 (VCV001751736.5), dbSNP rs2548532623, ClinGen allele CA2580087787.
Genomic context (GRCh38, chr13:32,340,475, plus strand): 5'-ACATTCAGACCAGCTCACAAGAGAAGAAAATACTGCTATACGTACTCCAGAACATTTAAT[A>AT]TCCCAAAAAGGCTTTTCATATAATGTGGTAAATTCATCTGCTTTCTCTGGATTTAGTACA-3'

ClinVar aggregate classification (germline): Pathogenic. Review status: criteria provided, multiple submitters, no conflicts (2 of 4 stars). 2 submissions from 2 submitters: Pathogenic (2). Last evaluated 2023-12-25.

Conditions:
Hereditary cancer-predisposing syndrome. Also called: Hereditary Cancer Syndrome; Hereditary neoplastic syndrome; Neoplastic Syndromes, Hereditary; Tumor predisposition. Identifiers: Orphanet 140162, MedGen C0027672, MeSH D009386, MONDO:0015356.
Hereditary breast ovarian cancer syndrome. Also called: Hereditary breast and ovarian cancer; BRCA1- and BRCA2-Associated Hereditary Breast and Ovarian Cancer; Hereditary breast and ovarian cancer syndrome (HBOC); Hereditary breast and ovarian cancer syndrome; Breast and ovarian cancer; Hereditary breast and/or ovarian cancer syndrome. Identifiers: Orphanet 145, MedGen C0677776, MeSH D061325, MONDO:0003582. Disease mechanism: loss of function.

Submissions (2):

Labcorp Genetics (formerly Invitae), Labcorp
Classification: Pathogenic for Hereditary breast ovarian cancer syndrome. Last evaluated: 2023-12-25. Review status: criteria provided, single submitter. Criteria: Invitae Variant Classification Sherloc (09022015). Collection method: clinical testing. Allele origin: germline.
Comment: This sequence change creates a premature translational stop signal (p.Ser2041Phefs*8) in the BRCA2 gene. It is expected to result in an absent or disrupted protein product. Loss-of-function variants in BRCA2 are known to be pathogenic (PMID: 20104584). This variant is not present in population databases (gnomAD no frequency). This variant has not been reported in the literature in individuals affected with BRCA2-related conditions. ClinVar contains an entry for this variant (Variation ID: 1751736). For these reasons, this variant has been classified as Pathogenic.

Ambry Genetics
Classification: Pathogenic for Hereditary cancer-predisposing syndrome. Last evaluated: 2022-04-27. Review status: criteria provided, single submitter. Criteria: Ambry Variant Classification Scheme 2023. Collection method: clinical testing. Allele origin: germline.
Comment: The c.6121dupT pathogenic mutation, located in coding exon 10 of the BRCA2 gene, results from a duplication of T at nucleotide position 6121, causing a translational frameshift with a predicted alternate stop codon (p.S2041Ffs*8). This variant is considered to be rare based on population cohorts in the Genome Aggregation Database (gnomAD). This alteration is expected to result in loss of function by premature protein truncation or nonsense-mediated mRNA decay. As such, this alteration is interpreted as a disease-causing mutation.

Literature cited by the submitters: PubMed 20104584 (cited by Labcorp Genetics (formerly Invitae), Labcorp).